The following is an entry in ClinVar:

NM_005343.4(HRAS):c.545T>C (p.Met182Thr)

Genes: HRAS (HRas proto-oncogene, GTPase; minus strand), LRRC56 (leucine rich repeat containing 56; plus strand). Cytogenetic location: 11p15.5.
Variant type: single nucleotide variant.
Coding change: c.545T>C on transcript NM_005343.4 (MANE Select); coding-DNA position 545, T replaced by C.
Protein change: p.Met182Thr; replaces methionine 182 with threonine.
Molecular consequence: missense variant. On other transcripts: 3 prime UTR variant (1).
Genome position (GRCh38, 1-based): chr11:532,661, A>G on the plus strand (T>C on the coding strand, the complement: HRAS is on the minus strand). VCF-style: chr11-532661-A-G. GRCh37 (hg19) VCF-style: chr11-532661-A-G.
Other names: c.545T>C, p.Met182Thr (NM_001130442.3); c.308T>C, p.Met103Thr (NM_001318054.2); c.*114T>C (NM_176795.5); short protein forms M103T, M182T.
Identifiers: ClinVar variation 1038544 (VCV001038544.9), dbSNP rs1851174858, ClinGen allele CA378920950.

ClinVar aggregate classification (germline): Uncertain significance (1 of 4 stars; one submission).

Conditions:
Costello syndrome (CSTLO). Also called: HRAS-Related Costello Syndrome; FACIOCUTANEOSKELETAL SYNDROME; FCS SYNDROME. Identifiers: Orphanet 3071, MedGen C0587248, MONDO:0009026, OMIM 218040.

Submission:

Labcorp Genetics (formerly Invitae), Labcorp
Classification: Uncertain significance for Costello syndrome. Last evaluated: 2021-05-01. Review status: criteria provided, single submitter. Criteria: Invitae Variant Classification Sherloc (09022015). Collection method: clinical testing. Allele origin: germline.
Comment: This sequence change replaces methionine with threonine at codon 182 of the HRAS protein (p.Met182Thr). The methionine residue is moderately conserved and there is a moderate physicochemical difference between methionine and threonine. This variant is not present in population databases (ExAC no frequency). This variant has not been reported in the literature in individuals with HRAS-related conditions. Algorithms developed to predict the effect of missense changes on protein structure and function output the following: SIFT: "Tolerated"; PolyPhen-2: "Benign"; Align-GVGD: "Class C0". The threonine amino acid residue is found in multiple mammalian species, suggesting that this missense change does not adversely affect protein function. These predictions have not been confirmed by published functional studies and their clinical significance is uncertain. In summary, the available evidence is currently insufficient to determine the role of this variant in disease. Therefore, it has been classified as a Variant of Uncertain Significance.